The following is an entry in ClinVar:

NM_015062.5(PPRC1):c.2862C>T (p.Ala954=)

Gene: PPRC1 (PPARG related coactivator 1; plus strand). Cytogenetic location: 10q24.32.
Variant type: single nucleotide variant.
Coding change: c.2862C>T on transcript NM_015062.5 (MANE Select); coding-DNA position 2862, C replaced by T.
Protein change: p.Ala954=; no amino-acid change (alanine 954 retained).
Molecular consequence: synonymous variant.
Genome position (GRCh38, 1-based): chr10:102,141,370, C>T. VCF-style: chr10-102141370-C-T. GRCh37 (hg19) VCF-style: chr10-103901127-C-T.
Other names: c.2862C>T, p.Ala954= (NM_001288727.2); c.2502C>T, p.Ala834= (NM_001288728.2).
Identifiers: ClinVar variation 3052023 (VCV003052023.2), dbSNP rs79834526, ClinGen allele CA5661117.

ClinVar aggregate classification (germline): Likely benign (0 of 4 stars; one submission).

Conditions:
PPRC1-related disorder. Also called: PPRC1-related condition.

Allele frequency attached by ClinVar (database versions not stated): gnomAD exomes 0.00010; ExAC 0.00029; gnomAD 0.00096; TOPMed 0.00103; ESP Exome Variant Server 0.00138; 1000 Genomes Project 30x 0.00156; 1000 Genomes Project 0.00180.
gnomAD v4.1: 291 of 1,614,120 alleles (0.018%); highest among the groups gnomAD compares: African/African-American, 0.33%; 1 homozygote.

Submission:

PreventionGenetics, part of Exact Sciences
Classification: Likely benign for PPRC1-related condition. Last evaluated: 2019-02-22. Review status: no assertion criteria provided. Collection method: clinical testing. Allele origin: germline.
Comment: This variant is classified as likely benign based on ACMG/AMP sequence variant interpretation guidelines (Richards et al. 2015 PMID: 25741868, with internal and published modifications).